The following is an entry in ClinVar:

NM_013382.7(POMT2):c.1654-6A>G

Gene: POMT2 (protein O-mannosyltransferase 2; minus strand). Cytogenetic location: 14q24.3.
Variant type: single nucleotide variant.
Coding change: c.1654-6A>G on transcript NM_013382.7 (MANE Select); 6 bases into the intron before coding-DNA position 1654, A replaced by G.
Molecular consequence: intron variant.
Genome position (GRCh38, 1-based): chr14:77,280,469, T>C on the plus strand (A>G on the coding strand, the complement: POMT2 is on the minus strand). VCF-style: chr14-77280469-T-C. GRCh37 (hg19) VCF-style: chr14-77746812-T-C.
Other names: p.?.
Identifiers: ClinVar variation 95537 (VCV000095537.35), dbSNP rs4540995, ClinGen allele CA148609.

ClinVar aggregate classification (germline): Benign/Likely benign. Review status: criteria provided, multiple submitters, no conflicts (2 of 4 stars). 17 submissions from 15 submitters: Benign (11); Likely benign (2). 4 of the submissions do not count toward it. Last evaluated 2026-02-04.

Conditions:
Muscular dystrophy-dystroglycanopathy (congenital with brain and eye anomalies), type A2. Also called: MUSCULAR DYSTROPHY-DYSTROGLYCANOPATHY (CONGENITAL WITH BRAIN AND EYE ANOMALIES), TYPE A, 2; WALKER-WARBURG SYNDROME OR MUSCLE-EYE-BRAIN DISEASE, POMT2-RELATED. Identifiers: Orphanet 588, Orphanet 899, MedGen C3150411, MONDO:0013154, OMIM 613150.
Muscular dystrophy-dystroglycanopathy (congenital with impaired intellectual development), type B, 2. Also called: Muscular dystrophy-dystroglycanopathy (congenital with intellectual disability), type B2; MUSCULAR DYSTROPHY, CONGENITAL, POMT2-RELATED. Identifiers: MedGen C3150416, MONDO:0013160, OMIM 613156.
Autosomal recessive limb-girdle muscular dystrophy type 2N. Also called: Muscular dystrophy-dystroglycanopathy (limb-girdle), type C, 2; MUSCULAR DYSTROPHY-DYSTROGLYCANOPATHY, LIMB-GIRDLE, POMT2-RELATED. Identifiers: Orphanet 206559, MedGen C3150418, MONDO:0013162, OMIM 613158.

Allele frequency attached by ClinVar (database versions not stated): gnomAD 0.14051 and 0.14330; TOPMed 0.14351; ESP Exome Variant Server 0.14563; 1000 Genomes Project 30x 0.15459; 1000 Genomes Project 0.15755.
gnomAD v4.1: 167,829 of 1,614,048 alleles (10%); highest among the groups gnomAD compares: African/African-American, 24%; 10,268 homozygotes.

Submissions (17):

Labcorp Genetics (formerly Invitae), Labcorp
Classification: Benign for Muscular dystrophy-dystroglycanopathy (congenital with impaired intellectual development), type B, 2; Muscular dystrophy-dystroglycanopathy (congenital with brain and eye anomalies), type A2; Autosomal recessive limb-girdle muscular dystrophy type 2N. Last evaluated: 2026-02-04. Review status: criteria provided, single submitter. Criteria: Invitae Variant Classification Sherloc (09022015). Collection method: clinical testing. Allele origin: germline.

Blueprint Genetics
Classification: Benign. Last evaluated: 2024-11-27. Review status: criteria provided, single submitter. Criteria: ACMG Guidelines, 2015. Collection method: clinical testing. Allele origin: germline.

Genome-Nilou Lab
Classification: Benign for Muscular dystrophy-dystroglycanopathy (congenital with brain and eye anomalies), type A2. Last evaluated: 2021-10-25. Review status: criteria provided, single submitter. Criteria: ACMG Guidelines, 2015. Collection method: clinical testing. Allele origin: germline. Affected: no.

Genome-Nilou Lab
Classification: Benign for Muscular dystrophy-dystroglycanopathy (congenital with impaired intellectual development), type B, 2. Last evaluated: 2021-10-25. Review status: criteria provided, single submitter. Criteria: ACMG Guidelines, 2015. Collection method: clinical testing. Allele origin: germline. Affected: no.

Genome-Nilou Lab
Classification: Benign for Autosomal recessive limb-girdle muscular dystrophy type 2N. Last evaluated: 2021-10-25. Review status: criteria provided, single submitter. Criteria: ACMG Guidelines, 2015. Collection method: clinical testing. Allele origin: germline. Affected: no.

Mayo Clinic Laboratories, Mayo Clinic
Classification: Benign. Last evaluated: 2018-03-12. Review status: criteria provided, single submitter. Criteria: ACMG Guidelines, 2015. Collection method: clinical testing. Allele origin: germline. Observed: 283 variant alleles.

Athena Diagnostics
Classification: Benign. Last evaluated: 2017-05-01. Review status: criteria provided, single submitter. Criteria: Athena Diagnostics Criteria. Collection method: clinical testing. Allele origin: germline.

Illumina Laboratory Services, Illumina
Classification: Likely benign for Autosomal recessive limb-girdle muscular dystrophy type 2N. Last evaluated: 2017-04-27. Review status: criteria provided, single submitter. Criteria: ICSL Variant Classification Criteria 13 December 2019. Collection method: clinical testing. Allele origin: germline.
Comment: This variant was observed as part of a predisposition screen in an ostensibly healthy population. A literature search was performed for the gene, cDNA change, and amino acid change (where applicable). Publications were found based on this search. The evidence from the literature, in combination with allele frequency data from public databases where available, was sufficient to determine this variant is unlikely to cause disease. Therefore, this variant is classified as likely benign.

GeneDx
Classification: Benign. Last evaluated: 2015-03-03. Review status: criteria provided, single submitter. Criteria: GeneDx Variant Classification Process June 2021. Collection method: clinical testing. Allele origin: germline. Affected: yes.

Laboratory for Molecular Medicine, Mass General Brigham Personalized Medicine
Classification: Benign. Last evaluated: 2014-11-26. Review status: criteria provided, single submitter. Criteria: LMM Criteria. Collection method: clinical testing. Allele origin: germline. Observed: 1 variant allele.
Comment: c.1654-6A>G in intron 15 of POMT2: This variant is not expected to have clinical significance because it has been identified in 23% (1034/4406) of African Ameri can chromosomes by the NHLBI Exome Sequencing Project (. edu/EVS/; dbSNP rs4540995).

Eurofins Ntd Llc (ga)
Classification: Benign. Last evaluated: 2012-07-18. Review status: criteria provided, single submitter. Criteria: EGL Classification Definitions 2015. Collection method: clinical testing. Allele origin: germline. Observed: 26 variant alleles, 25 heterozygotes, 1 homozygote.

Breakthrough Genomics
Classification: Likely benign. Review status: criteria provided, single submitter. Criteria: ACMG Guidelines, 2015. Collection method: not provided. Allele origin: germline. Inheritance: Autosomal recessive inheritance. Affected: yes.

PreventionGenetics, part of Exact Sciences
Classification: Benign. Review status: criteria provided, single submitter. Criteria: ACMG Guidelines, 2015. Collection method: clinical testing. Allele origin: germline.

Clinical Genetics DNA and cytogenetics Diagnostics Lab, Erasmus MC, Erasmus Medical Center
Classification: Benign. Review status: no assertion criteria provided. Collection method: clinical testing. Allele origin: germline. Affected: yes. Study: VKGL Data-share Consensus. Not counted in ClinVar's aggregate classification.

Clinical Genetics, Academic Medical Center
Classification: Benign. Review status: no assertion criteria provided. Collection method: clinical testing. Allele origin: germline. Affected: yes. Study: VKGL Data-share Consensus. Not counted in ClinVar's aggregate classification.

Genetic Services Laboratory, University of Chicago
Classification: Likely benign for AllHighlyPenetrant. Review status: no assertion criteria provided. Collection method: clinical testing. Allele origin: germline. Inheritance: Autosomal recessive inheritance. Not counted in ClinVar's aggregate classification.
Comment: Likely benign based on allele frequency in 1000 Genomes Project or ESP global frequency and its presence in a patient with a rare or unrelated disease phenotype. NOT Sanger confirmed.

Joint Genome Diagnostic Labs from Nijmegen and Maastricht, Radboudumc and MUMC+
Classification: Benign. Review status: no assertion criteria provided. Collection method: clinical testing. Allele origin: germline. Affected: yes. Study: VKGL Data-share Consensus. Not counted in ClinVar's aggregate classification.

Literature cited by the submitters: PubMed 18513969 (cited by Athena Diagnostics and Illumina Laboratory Services, Illumina); PubMed 19299310 (cited by Illumina Laboratory Services, Illumina).